The following is an entry in ClinVar:

NM_194454.3(KRIT1):c.790del (p.Gln264fs)

Gene: KRIT1 (KRIT1 ankyrin repeat containing; minus strand). Cytogenetic location: 7q21.2.
Variant type: Deletion.
Coding change: c.790del on transcript NM_194454.3 (MANE Select); coding-DNA position 790, one base deleted (C; older notation c.790delC).
Protein change: p.Gln264fs; shifts the reading frame from glutamine 264.
Molecular consequence: frameshift variant.
Genome position (GRCh38, 1-based): chr7:92,234,863, G deleted on the plus strand (C on the coding strand, the reverse complement: KRIT1 is on the minus strand); the first of 2 consecutive G bases (chr7:92,234,863-92,234,864); deleting either gives the same sequence. VCF-style (leftmost placement, unchanged base first): chr7-92234862-TG-T. GRCh37 (hg19) VCF-style: chr7-91864176-TG-T.
Other names: c.790del, p.Gln264fs (NM_194455.1, NM_194456.1, NM_001013406.2 and 29 more transcripts); c.76del, p.Gln26fs (NM_001350671.1); short protein forms Q26fs, Q264fs.
Identifiers: ClinVar variation 3726897 (VCV003726897.2).

ClinVar aggregate classification (germline): Pathogenic (1 of 4 stars; one submission).

Conditions:
Cerebral cavernous malformation (CCM). Also called: Cavernous Hemangioma of Brain; Cerebral cavernous hemangioma (type); CAVERNOUS ANGIOMA, FAMILIAL; CAVERNOUS ANGIOMATOUS MALFORMATIONS; CEREBRAL CAPILLARY MALFORMATIONS; Cerebral cavernous malformations. Identifiers: Orphanet 221061, MedGen C2919945, MONDO:0000820, OMIM 116860, HP:0033522.

Submission:

Labcorp Genetics (formerly Invitae), Labcorp
Classification: Pathogenic for Cerebral cavernous malformation. Last evaluated: 2024-12-08. Review status: criteria provided, single submitter. Criteria: Invitae Variant Classification Sherloc (09022015). Collection method: clinical testing. Allele origin: germline.
Comment: This sequence change creates a premature translational stop signal (p.Gln264Lysfs*12) in the KRIT1 gene. It is expected to result in an absent or disrupted protein product. Loss-of-function variants in KRIT1 are known to be pathogenic (PMID: 10508515, 11222804, 12404106, 24689081). This variant is not present in population databases (gnomAD no frequency). This variant has not been reported in the literature in individuals affected with KRIT1-related conditions. For these reasons, this variant has been classified as Pathogenic.

Literature cited by the submitters: PubMed 10508515; PubMed 11222804; PubMed 12404106; PubMed 24689081.